The following is an entry in ClinVar:

NM_199420.4(POLQ):c.745G>T (p.Ala249Ser)

Gene: POLQ (DNA polymerase theta; minus strand). Cytogenetic location: 3q13.33.
Variant type: single nucleotide variant.
Coding change: c.745G>T on transcript NM_199420.4 (MANE Select); coding-DNA position 745, G replaced by T.
Protein change: p.Ala249Ser; replaces alanine 249 with serine.
Molecular consequence: missense variant.
Genome position (GRCh38, 1-based): chr3:121,533,205, C>A on the plus strand (G>T on the coding strand, the complement: POLQ is on the minus strand). VCF-style: chr3-121533205-C-A. GRCh37 (hg19) VCF-style: chr3-121252052-C-A.
Other names: short protein forms A249S.
Identifiers: ClinVar variation 1759016 (VCV001759016.3), dbSNP rs2546819819, ClinGen allele CA354126850.
Genomic context (GRCh38, chr3:121,533,205, plus strand): 5'-GAAGGGTAGCACTCATGCCAACGATTTGCACAGCATTAGACAGAGAACTGGCTAGATCTG[C>A]CTGACTGTAAAAAAACAAATGAAAAGAACATTAAAAGATATATAATACATTAATAATTAG-3'
Protein context (NP_955452.3, residues 239-259): YITRKSASCQ[Ala249Ser]DLASSLSNAV

ClinVar aggregate classification (germline): Uncertain significance (1 of 4 stars; one submission).

Allele frequency attached by ClinVar (database versions not stated): gnomAD exomes below 0.00001.
gnomAD v4.1: 5 of 1,551,478 alleles (0.00032%); highest among the groups gnomAD compares: Non-Finnish European, 0.00044%; no homozygotes.

Submission:

Ambry Genetics
Classification: Uncertain significance. Last evaluated: 2024-04-23. Review status: criteria provided, single submitter. Criteria: Ambry Variant Classification Scheme 2023. Collection method: clinical testing. Allele origin: germline.
Comment: The p.A249S variant (also known as c.745G>T), located in coding exon 6 of the POLQ gene, results from a G to T substitution at nucleotide position 745. The alanine at codon 249 is replaced by serine, an amino acid with similar properties. This amino acid position is conserved. In addition, this alteration is predicted to be tolerated by in silico analysis. Since supporting evidence is limited at this time, the clinical significance of this alteration remains unclear.